The following is an entry in ClinVar:

ClinVar aggregate classification (germline): Likely benign. Review status: criteria provided, multiple submitters, no conflicts (2 of 4 stars). 3 submissions from 3 submitters: Likely benign (2). 1 of the submissions does not count toward it. Last evaluated 2026-05-11.

Conditions:
Polycystic kidney disease. Also called: Kidney, Polycystic; Polycystic kidney dysplasia. Identifiers: MedGen C0022680, MeSH D007690, MONDO:0020642, HP:0000113.
PKD1-related disorder. Also called: PKD1-related condition.

Allele frequency attached by ClinVar (database versions not stated): gnomAD exomes 0.00002 and 0.00005; TOPMed 0.00002; ExAC 0.00008.
gnomAD v4.1: 35 of 1,610,812 alleles (0.0022%); highest among the groups gnomAD compares: Middle Eastern, 0.022%; 1 homozygote.

Submissions (3):

PreventionGenetics, part of Exact Sciences
Classification: Likely benign for PKD1-related condition. Last evaluated: 2026-05-11. Review status: criteria provided, single submitter. Criteria: ACMG Guidelines, 2015. Collection method: clinical testing. Allele origin: germline.
Comment: This variant is classified as likely benign based on ACMG/AMP sequence variant interpretation guidelines (Richards et al. 2015 PMID: 25741868, with internal and published modifications).

Blueprint Genetics
Classification: Likely benign. Last evaluated: 2024-05-28. Review status: criteria provided, single submitter. Criteria: ACMG Guidelines, 2015. Collection method: clinical testing. Allele origin: germline.

Department of Pathology and Laboratory Medicine, Sinai Health System
Classification: Likely benign for Polycystic Kidney disease. Review status: no assertion criteria provided. Collection method: clinical testing. Allele origin: unknown. Affected: yes. Study: The Canadian Open Genetics Repository (COGR). Not counted in ClinVar's aggregate classification.
Comment: The PKD1 p.Ser1352= variant was not identified in the literature nor was it identified in the ClinVar, LOVD 3.0, ADPKD Mutation Database, or PKD1-LOVD databases. The variant was identified in dbSNP (ID: rs756229724) as â€šÃ„ÃºNAâ€šÃ„Ã¹. The variant was identified in control databases in 12 of 244324 chromosomes (1 homozygous) at a frequency of 0.00005 (Genome Aggregation Database Feb 27, 2017). The variant was observed in the following populations: Other in 1 of 5434 chromosomes (freq: 0.0002), European (Non-Finnish) in 10 of 110204 chromosomes (freq: 0.00009), and South Asian in 1 of 30766 chromosomes (freq: 0.00003), while the variant was not observed in the African, Latino, AshkenaziJ ewish, East Asian, or European (Finnish) populations. In addition, we cannot be certain that data from control databases is specific to PKD1 and not from one of the six PKD1 pseudogenes. The variant was identified in our laboratory with a co-occurring pathogenic PKD1 variant (c.12658G>T, p.Glu4220*), increasing the likelihood that the p.Ser1352= variant does not have clinical significance. The p.Ser1352= variant is also not expected to have clinical significance because it does not result in a change of amino acid and is not located in a known consensus splice site. In addition, in silico or computational prediction software programs (SpliceSiteFinder, MaxEntScan, NNSPLICE, GeneSplicer) do not predict a difference in splicing. In summary, based on the above information, the clinical significance of this variant cannot be determined with certainty at this time although we would lean towards a more benign role for this variant. This variant is classified as likely benign.

NM_001009944.3(PKD1):c.4056C>T (p.Ser1352=)

Gene: PKD1 (polycystin 1, transient receptor potential channel interacting; minus strand). Cytogenetic location: 16p13.3.
Variant type: single nucleotide variant.
Coding change: c.4056C>T on transcript NM_001009944.3 (MANE Select); coding-DNA position 4056, C replaced by T.
Protein change: p.Ser1352=; no amino-acid change (serine 1352 retained).
Molecular consequence: synonymous variant.
Genome position (GRCh38, 1-based): chr16:2,111,111, G>A on the plus strand (C>T on the coding strand, the complement: PKD1 is on the minus strand). VCF-style: chr16-2111111-G-A. GRCh37 (hg19) VCF-style: chr16-2161112-G-A.
Other names: c.4056C>T, p.Ser1352= (NM_000296.4); c.4056C>T (NM_001009944.2).
Identifiers: ClinVar variation 997255 (VCV000997255.3), dbSNP rs756229724, ClinGen allele CA7832506.